The following is an entry in ClinVar:

ClinVar aggregate classification (germline): Likely benign. Review status: criteria provided, single submitter (1 of 4 stars). 2 submissions from 2 submitters: Likely benign (1). 1 of the submissions does not count toward it. Last evaluated 2023-08-01.

Conditions:
MUC16-related disorder. Also called: MUC16-related condition.

Allele frequency attached by ClinVar (database versions not stated): 1000 Genomes Project 30x 0.00125; 1000 Genomes Project 0.00140; ESP Exome Variant Server 0.00323; ExAC 0.00345; TOPMed 0.00353; gnomAD 0.00408; gnomAD exomes 0.00509.

Submissions (2):

CeGaT Center for Human Genetics Tuebingen
Classification: Likely benign. Last evaluated: 2023-08-01. Review status: criteria provided, single submitter. Criteria: CeGaT Center For Human Genetics Tuebingen Variant Classification Criteria Version 2. Collection method: clinical testing. Allele origin: germline. Affected: yes. Observed: 3 variant alleles.
Comment: MUC16: BP4, BS2

PreventionGenetics, part of Exact Sciences
Classification: Benign for MUC16-related condition. Last evaluated: 2019-05-23. Review status: no assertion criteria provided. Collection method: clinical testing. Allele origin: germline. Not counted in ClinVar's aggregate classification.
Comment: This variant is classified as benign based on ACMG/AMP sequence variant interpretation guidelines (Richards et al. 2015 PMID: 25741868, with internal and published modifications).

NM_001401501.2(MUC16):c.6521C>T (p.Thr2174Ile)

Gene: MUC16 (mucin 16, cell surface associated; minus strand). Cytogenetic location: 19p13.2.
Variant type: single nucleotide variant.
Coding change: c.6521C>T on transcript NM_001401501.2 (MANE Select); coding-DNA position 6521, C replaced by T.
Protein change: p.Thr2174Ile; replaces threonine 2174 with isoleucine.
Molecular consequence: missense variant.
Genome position (GRCh38, 1-based): chr19:8,974,738, G>A on the plus strand (C>T on the coding strand, the complement: MUC16 is on the minus strand). VCF-style: chr19-8974738-G-A. GRCh37 (hg19) VCF-style: chr19-9085414-G-A.
Other names: c.6947C>T, p.Thr2316Ile (NM_001414686.1); c.6401C>T, p.Thr2134Ile (NM_001414687.1, NM_024690.2); short protein forms T2134I, T2174I, T2316I.
Identifiers: ClinVar variation 2649267 (VCV002649267.25), dbSNP rs183496438, ClinGen allele CA9172425.
Genomic context (GRCh38, chr19:8,974,738, plus strand): 5'-GATCTAGAAGTTATGGCCATTGGAAGAGGGACTTCAGAGCTGATACTTGCCCCCACAGGA[G>A]TCTCAGAAAGACCTGTGACCGAGGATGCATCAGTGTTCAAAGTACTCGCGGCTGTATTCT-3'
Protein context (NP_001388430.1, residues 2164-2184): DASSVTGLSE[Thr2174Ile]PVGASISSEV